The following is an entry in ClinVar:

ClinVar aggregate classification (germline): Uncertain significance (1 of 4 stars; one submission).

Conditions:
Charcot-Marie-Tooth Neuropathy X. Identifiers: MedGen CN118851.

Submission:

Labcorp Genetics (formerly Invitae), Labcorp
Classification: Uncertain significance for Charcot-Marie-Tooth Neuropathy X. Last evaluated: 2024-05-14. Review status: criteria provided, single submitter. Criteria: Invitae Variant Classification Sherloc (09022015). Collection method: clinical testing. Allele origin: germline.
Comment: This sequence change replaces glutamic acid, which is acidic and polar, with aspartic acid, which is acidic and polar, at codon 102 of the GJB1 protein (p.Glu102Asp). This variant is not present in population databases (gnomAD no frequency). This variant has not been reported in the literature in individuals affected with GJB1-related conditions. Advanced modeling of protein sequence and biophysical properties (such as structural, functional, and spatial information, amino acid conservation, physicochemical variation, residue mobility, and thermodynamic stability) performed at Invitae indicates that this missense variant is not expected to disrupt GJB1 protein function with a negative predictive value of 80%. This variant disrupts the p.Glu102 amino acid residue in GJB1. Other variant(s) that disrupt this residue have been determined to be pathogenic (PMID: 8004109, 14627639, 17353473, 25614874). This suggests that this residue is clinically significant, and that variants that disrupt this residue are likely to be disease-causing. In summary, the available evidence is currently insufficient to determine the role of this variant in disease. Therefore, it has been classified as a Variant of Uncertain Significance.

Literature cited by the submitters: PubMed 8004109; PubMed 14627639; PubMed 17353473; PubMed 25614874.

NM_000166.6(GJB1):c.306G>C (p.Glu102Asp)

Gene: GJB1 (gap junction protein beta 1; plus strand). Cytogenetic location: Xq13.1.
Variant type: single nucleotide variant.
Coding change: c.306G>C on transcript NM_000166.6 (MANE Select); coding-DNA position 306, G replaced by C.
Protein change: p.Glu102Asp; replaces glutamic acid 102 with aspartic acid.
Molecular consequence: missense variant.
Genome position (GRCh38, 1-based): chrX:71,224,013, G>C. VCF-style: chrX-71224013-G-C. GRCh37 (hg19) VCF-style: chrX-70443863-G-C.
Other names: c.306G>C, p.Glu102Asp (NM_001097642.3); short protein forms E102D.
Identifiers: ClinVar variation 3653295 (VCV003653295.2).